The following is an entry in ClinVar:

NM_004208.4(AIFM1):c.147G>C (p.Gln49His)

Genes: RAB33A (RAB33A, member RAS oncogene family; plus strand), AIFM1 (apoptosis inducing factor mitochondria associated 1; minus strand). Cytogenetic location: Xq26.1.
Variant type: single nucleotide variant.
Coding change: c.147G>C on transcript NM_004208.4 (MANE Select); coding-DNA position 147, G replaced by C.
Protein change: p.Gln49His; replaces glutamine 49 with histidine.
Molecular consequence: missense variant. On other transcripts: intron variant (1).
Genome position (GRCh38, 1-based): chrX:130,156,563, C>G on the plus strand (G>C on the coding strand, the complement: AIFM1 is on the minus strand). VCF-style: chrX-130156563-C-G. GRCh37 (hg19) VCF-style: chrX-129290537-C-G.
Other names: c.147G>C, p.Gln49His (NM_001130847.4); c.107-1277G>C (NM_145812.3); short protein forms Q49H.
Identifiers: ClinVar variation 1028702 (VCV001028702.4), dbSNP rs867606904, ClinGen allele CA335126500.

ClinVar aggregate classification (germline): Uncertain significance. Review status: criteria provided, multiple submitters, no conflicts (2 of 4 stars). 2 submissions from 2 submitters: Uncertain significance (2). Last evaluated 2024-06-11.

Conditions:
Severe X-linked mitochondrial encephalomyopathy. Also called: ENCEPHALOMYOPATHY, MITOCHONDRIAL, X-LINKED. Identifiers: Orphanet 238329, MedGen C3151753, MONDO:0010437, OMIM 300816.

Allele frequency attached by ClinVar (database versions not stated): gnomAD exomes below 0.00001.
gnomAD v4.1: 1 of 1,211,673 alleles (0.000083%); highest among the groups gnomAD compares: Middle Eastern, 0.023%; no homozygotes.

Submissions (2):

Revvity Omics, Revvity
Classification: Uncertain significance. Last evaluated: 2024-06-11. Review status: criteria provided, single submitter. Criteria: ACMG Guidelines, 2015. Collection method: clinical testing. Allele origin: germline.

Baylor Genetics
Classification: Uncertain significance for Severe X-linked mitochondrial encephalomyopathy. Last evaluated: 2019-11-19. Review status: criteria provided, single submitter. Criteria: ACMG Guidelines, 2015. Collection method: clinical testing. Allele origin: unknown. Affected: yes.
Comment: This variant was determined to be of uncertain significance according to ACMG Guidelines, 2015 [PMID:25741868].